The following is an entry in ClinVar:

NM_002439.5(MSH3):c.1144A>T (p.Lys382Ter)

Gene: MSH3 (mutS homolog 3; plus strand). Cytogenetic location: 5q14.1.
Variant type: single nucleotide variant.
Coding change: c.1144A>T on transcript NM_002439.5 (MANE Select); coding-DNA position 1144, A replaced by T.
Protein change: p.Lys382Ter; replaces lysine 382 with a stop codon.
Molecular consequence: nonsense.
Genome position (GRCh38, 1-based): chr5:80,675,099, A>T. VCF-style: chr5-80675099-A-T. GRCh37 (hg19) VCF-style: chr5-79970918-A-T.
Other names: c.1144A>T (NM_002439.4); short protein forms K382*.
Identifiers: ClinVar variation 1073327 (VCV001073327.12), dbSNP rs139170496, ClinGen allele CA3327805.

ClinVar aggregate classification (germline): Pathogenic/Likely pathogenic. Review status: criteria provided, multiple submitters, no conflicts (2 of 4 stars). 5 submissions from 5 submitters: Pathogenic (3); Likely pathogenic (2). Last evaluated 2026-01-07.

Conditions:
Familial adenomatous polyposis 4 (FAP4). Also called: MSH3-related attenuated familial adenomatous polyposis. Identifiers: Orphanet 480536, MedGen C4310719, MONDO:0044300, OMIM 617100.
Hereditary cancer-predisposing syndrome. Also called: Tumor predisposition; Hereditary neoplastic syndrome; Neoplastic Syndromes, Hereditary; Hereditary Cancer Syndrome. Identifiers: Orphanet 140162, MedGen C0027672, MeSH D009386, MONDO:0015356.
Endometrial carcinoma. Also called: Endometrial carcinoma, somatic. Identifiers: MedGen C0476089, MONDO:0002447, OMIM 608089, HP:0012114.

Allele frequency attached by ClinVar (database versions not stated): gnomAD exomes below 0.00001; ExAC 0.00001; gnomAD 0.00001; TOPMed 0.00003; ESP Exome Variant Server 0.00008.
gnomAD v4.1: 3 of 1,613,744 alleles (0.00019%); highest among the groups gnomAD compares: African/African-American, 0.0027%; no homozygotes.

Submissions (5):

Labcorp Genetics (formerly Invitae), Labcorp
Classification: Pathogenic. Last evaluated: 2026-01-07. Review status: criteria provided, single submitter. Criteria: Invitae Variant Classification Sherloc (09022015). Collection method: clinical testing. Allele origin: germline.
Comment: This sequence change creates a premature translational stop signal (p.Lys382*) in the MSH3 gene. It is expected to result in an absent or disrupted protein product. Loss-of-function variants in MSH3 are known to be pathogenic (PMID: 27476653, 37402566). This variant is present in population databases (rs139170496, gnomAD 0.007%). This variant has not been reported in the literature in individuals affected with MSH3-related conditions. ClinVar contains an entry for this variant (Variation ID: 1073327). Algorithms developed to predict the effect of sequence changes on RNA splicing suggest that this variant may disrupt the consensus splice site. For these reasons, this variant has been classified as Pathogenic.

Ambry Genetics
Classification: Pathogenic for Hereditary cancer-predisposing syndrome. Last evaluated: 2024-03-14. Review status: criteria provided, single submitter. Criteria: Ambry Variant Classification Scheme 2023. Collection method: clinical testing. Allele origin: germline.
Comment: The p.K382* pathogenic mutation (also known as c.1144A>T), located in coding exon 7 of the MSH3 gene, results from an A to T substitution at nucleotide position 1144. This changes the amino acid from a lysine to a stop codon within coding exon 7. This variant is considered to be rare based on population cohorts in the Genome Aggregation Database (gnomAD). This alteration is expected to result in loss of function by premature protein truncation or nonsense-mediated mRNA decay. As such, this alteration is interpreted as a disease-causing mutation.

Myriad Genetics, Inc.
Classification: Pathogenic for Familial adenomatous polyposis 4. Last evaluated: 2023-08-29. Review status: criteria provided, single submitter. Criteria: Myriad Autosomal Dominant, Autosomal Recessive and X-Linked Classification Criteria (2023). Collection method: clinical testing. Allele origin: unknown.
Comment: This variant is considered pathogenic. This variant creates a termination codon and is predicted to result in premature protein truncation.

Quest Diagnostics Nichols Institute San Juan Capistrano
Classification: Likely pathogenic. Last evaluated: 2023-05-15. Review status: criteria provided, single submitter. Criteria: Quest Diagnostics criteria. Collection method: clinical testing. Allele origin: unknown.
Comment: his variant is predicted to cause the premature termination of MSH3 protein synthesis. This variant has not been reported in the published literature. The frequency of this variant in the general population, 0.000004 (1/251358 chromosomes (Genome Aggregation Database)), is consistent with pathogenicity. Based on the available information, this variant is classified as likely pathogenic.

Baylor Genetics
Classification: Likely pathogenic for Endometrial carcinoma. Last evaluated: 2022-08-11. Review status: criteria provided, single submitter. Criteria: ACMG Guidelines, 2015. Collection method: clinical testing. Allele origin: unknown.

Literature cited by the submitters: PubMed 27476653 (cited by Labcorp Genetics (formerly Invitae), Labcorp); PubMed 37402566 (cited by Labcorp Genetics (formerly Invitae), Labcorp).